The following is an entry in ClinVar:

ClinVar aggregate classification (germline): Uncertain significance (1 of 4 stars; one submission).

Allele frequency attached by ClinVar (database versions not stated): gnomAD exomes below 0.00001.
gnomAD v4.1: 1 of 1,609,892 alleles (0.000062%); highest among the groups gnomAD compares: Admixed American, 0.0017%; no homozygotes.

Submission:

Labcorp Genetics (formerly Invitae), Labcorp
Classification: Uncertain significance. Last evaluated: 2021-08-03. Review status: criteria provided, single submitter. Criteria: Invitae Variant Classification Sherloc (09022015). Collection method: clinical testing. Allele origin: germline.
Comment: Variants that disrupt the consensus splice site are a relatively common cause of aberrant splicing (PMID: 17576681, 9536098). In summary, the available evidence is currently insufficient to determine the role of this variant in disease. Therefore, it has been classified as a Variant of Uncertain Significance. Algorithms developed to predict the effect of missense changes on protein structure and function (SIFT, PolyPhen-2, Align-GVGD) all suggest that this variant is likely to be disruptive. This variant has not been reported in the literature in individuals affected with FLNB-related conditions. This variant is not present in population databases (ExAC no frequency). This sequence change replaces glycine with arginine at codon 1464 of the FLNB protein (p.Gly1464Arg). The glycine residue is highly conserved and there is a moderate physicochemical difference between glycine and arginine. This variant also falls at the last nucleotide of exon 25, which is part of the consensus splice site for this exon.

Literature cited by the submitters: PubMed 17576681; PubMed 9536098.

NM_001457.4(FLNB):c.4390G>C (p.Gly1464Arg)

Gene: FLNB (filamin B; plus strand). Cytogenetic location: 3p14.3.
Variant type: single nucleotide variant.
Coding change: c.4390G>C on transcript NM_001457.4 (MANE Select); coding-DNA position 4390, G replaced by C.
Protein change: p.Gly1464Arg; replaces glycine 1464 with arginine.
Molecular consequence: missense variant.
Genome position (GRCh38, 1-based): chr3:58,130,908, G>C. VCF-style: chr3-58130908-G-C. GRCh37 (hg19) VCF-style: chr3-58116635-G-C.
Other names: c.4390G>C, p.Ala1464Pro (NM_001164317.2); c.4390G>C, p.Gly1464Arg (NM_001164318.2, NM_001164319.2); short protein forms A1464P, G1464R.
Identifiers: ClinVar variation 1393433 (VCV001393433.6), dbSNP rs1158650879, ClinGen allele CA353350929.